The following is an entry in ClinVar:

NM_152443.3(RDH12):c.265A>C (p.Asn89His)

Genes: GPHN (gephyrin; plus strand), RDH12 (retinol dehydrogenase 12; plus strand). Cytogenetic location: 14q24.1.
Variant type: single nucleotide variant.
Coding change: c.265A>C on transcript NM_152443.3 (MANE Select); coding-DNA position 265, A replaced by C.
Protein change: p.Asn89His; replaces asparagine 89 with histidine.
Molecular consequence: missense variant.
Genome position (GRCh38, 1-based): chr14:67,725,176, A>C. VCF-style: chr14-67725176-A-C. GRCh37 (hg19) VCF-style: chr14-68191893-A-C.
Other names: short protein forms N89H.
Identifiers: ClinVar variation 1444356 (VCV001444356.6), dbSNP rs927359411, ClinGen allele CA390148636.

ClinVar aggregate classification (germline): Uncertain significance. Review status: criteria provided, multiple submitters, no conflicts (2 of 4 stars). 2 submissions from 2 submitters: Uncertain significance (2). Last evaluated 2022-03-02.

Conditions:
Leber congenital amaurosis 13 (LCA13). Identifiers: MedGen C2675186, MONDO:0012990, OMIM 612712.

Allele frequency attached by ClinVar (database versions not stated): gnomAD exomes below 0.00001.
gnomAD v4.1: 1 of 1,614,056 alleles (0.000062%); highest among the groups gnomAD compares: Admixed American, 0.0017%; no homozygotes.

Submissions (2):

Labcorp Genetics (formerly Invitae), Labcorp
Classification: Uncertain significance for Leber congenital amaurosis 13. Last evaluated: 2022-03-02. Review status: criteria provided, single submitter. Criteria: Invitae Variant Classification Sherloc (09022015). Collection method: clinical testing. Allele origin: germline.
Comment: This sequence change replaces asparagine, which is neutral and polar, with histidine, which is basic and polar, at codon 89 of the RDH12 protein (p.Asn89His). This variant is present in population databases (no rsID available, gnomAD 0.003%). This variant has not been reported in the literature in individuals affected with RDH12-related conditions. Algorithms developed to predict the effect of missense changes on protein structure and function are either unavailable or do not agree on the potential impact of this missense change (SIFT: "Deleterious"; PolyPhen-2: "Probably Damaging"; Align-GVGD: "Class C0"). In summary, the available evidence is currently insufficient to determine the role of this variant in disease. Therefore, it has been classified as a Variant of Uncertain Significance.

Blueprint Genetics
Classification: Uncertain significance. Last evaluated: 2021-09-15. Review status: criteria provided, single submitter. Criteria: ACMG Guidelines, 2015. Collection method: clinical testing. Allele origin: germline.